The following is an entry in ClinVar:

NM_020436.5(SALL4):c.3031G>A (p.Ala1011Thr)

Gene: SALL4 (spalt like transcription factor 4; minus strand). Cytogenetic location: 20q13.2.
Variant type: single nucleotide variant.
Coding change: c.3031G>A on transcript NM_020436.5 (MANE Select); coding-DNA position 3031, G replaced by A.
Protein change: p.Ala1011Thr; replaces alanine 1011 with threonine.
Molecular consequence: missense variant.
Genome position (GRCh38, 1-based): chr20:51,784,396, C>T on the plus strand (G>A on the coding strand, the complement: SALL4 is on the minus strand). VCF-style: chr20-51784396-C-T. GRCh37 (hg19) VCF-style: chr20-50400935-C-T.
Other names: c.1720G>A, p.Ala574Thr (NM_001318031.2); short protein forms A574T, A1011T.
Identifiers: ClinVar variation 2830167 (VCV002830167.3), dbSNP rs370661697, ClinGen allele CA9911941.

ClinVar aggregate classification (germline): Uncertain significance (1 of 4 stars; one submission).

Conditions:
Duane-radial ray syndrome (DRRS). Also called: ACRORENOOCULAR SYNDROME; DR SYNDROME; DUANE ANOMALY WITH RADIAL RAY ABNORMALITIES AND DEAFNESS; Okihiro Syndrome; Duane-Radial Ray Syndrome/Okihiro Syndrome; Duane-Radial Ray Syndrome (DRRS) / Okihiro Syndrome. Identifiers: Orphanet 93293, Orphanet 959, MedGen C1623209, MONDO:0011812, OMIM 607323. Disease mechanism: gain of function.

Allele frequency attached by ClinVar (database versions not stated): gnomAD exomes 0.00003; gnomAD 0.00005; ExAC 0.00006; ESP Exome Variant Server 0.00008; TOPMed 0.00008.
gnomAD v4.1: 54 of 1,614,034 alleles (0.0033%); highest among the groups gnomAD compares: Middle Eastern, 0.016%; no homozygotes.

Submission:

Labcorp Genetics (formerly Invitae), Labcorp
Classification: Uncertain significance for Duane-radial ray syndrome. Last evaluated: 2026-01-08. Review status: criteria provided, single submitter. Criteria: Invitae Variant Classification Sherloc (09022015). Collection method: clinical testing. Allele origin: germline.
Comment: This sequence change replaces alanine, which is neutral and non-polar, with threonine, which is neutral and polar, at codon 1011 of the SALL4 protein (p.Ala1011Thr). This variant is present in population databases (rs370661697, gnomAD 0.009%). This variant has not been reported in the literature in individuals affected with SALL4-related conditions. ClinVar contains an entry for this variant (Variation ID: 2830167). An algorithm developed to predict the effect of missense changes on protein structure and function outputs the following: PolyPhen-2: "Benign". The threonine amino acid residue is found in multiple mammalian species, which suggests that this missense change does not adversely affect protein function. In summary, the available evidence is currently insufficient to determine the role of this variant in disease. Therefore, it has been classified as a Variant of Uncertain Significance.